The following is an entry in ClinVar:

NM_206933.4(USH2A):c.9552C>A (p.Cys3184Ter)

Gene: USH2A (usherin; minus strand). Cytogenetic location: 1q41.
Variant type: single nucleotide variant.
Coding change: c.9552C>A on transcript NM_206933.4 (MANE Select); coding-DNA position 9552, C replaced by A.
Protein change: p.Cys3184Ter; replaces cysteine 3184 with a stop codon.
Molecular consequence: nonsense.
Genome position (GRCh38, 1-based): chr1:215,817,015, G>T on the plus strand (C>A on the coding strand, the complement: USH2A is on the minus strand). VCF-style: chr1-215817015-G-T. GRCh37 (hg19) VCF-style: chr1-215990357-G-T.
Other names: short protein forms C3184*.
Identifiers: ClinVar variation 2009021 (VCV002009021.4), dbSNP rs1328841882, ClinGen allele CA344824072.

ClinVar aggregate classification (germline): Pathogenic (1 of 4 stars; one submission).

Submission:

Labcorp Genetics (formerly Invitae), Labcorp
Classification: Pathogenic. Last evaluated: 2022-06-28. Review status: criteria provided, single submitter. Criteria: Invitae Variant Classification Sherloc (09022015). Collection method: clinical testing. Allele origin: germline.
Comment: This sequence change creates a premature translational stop signal (p.Cys3184*) in the USH2A gene. It is expected to result in an absent or disrupted protein product. Loss-of-function variants in USH2A are known to be pathogenic (PMID: 10729113, 10909849, 20507924, 25649381). This variant is not present in population databases (gnomAD no frequency). This variant has not been reported in the literature in individuals affected with USH2A-related conditions. For these reasons, this variant has been classified as Pathogenic.

Literature cited by the submitters: PubMed 10729113; PubMed 10909849; PubMed 20507924; PubMed 25649381.